The following is an entry in ClinVar:

ClinVar aggregate classification (germline): Uncertain significance. Review status: criteria provided, multiple submitters, no conflicts (2 of 4 stars). 2 submissions from 2 submitters: Uncertain significance (2). Last evaluated 2025-07-08.

Submissions (2):

Labcorp Genetics (formerly Invitae), Labcorp
Classification: Uncertain significance. Last evaluated: 2025-07-08. Review status: criteria provided, single submitter. Criteria: Invitae Variant Classification Sherloc (09022015). Collection method: clinical testing. Allele origin: germline.
Comment: This sequence change replaces lysine, which is basic and polar, with threonine, which is neutral and polar, at codon 603 of the ALPK3 protein (p.Lys603Thr). This variant is not present in population databases (gnomAD no frequency). This variant has not been reported in the literature in individuals affected with ALPK3-related conditions. ClinVar contains an entry for this variant (Variation ID: 3381267). An algorithm developed to predict the effect of missense changes on protein structure and function (PolyPhen-2) suggests that this variant is likely to be tolerated. In summary, the available evidence is currently insufficient to determine the role of this variant in disease. Therefore, it has been classified as a Variant of Uncertain Significance.

GeneDx
Classification: Uncertain significance. Last evaluated: 2024-05-22. Review status: criteria provided, single submitter. Criteria: GeneDx Variant Classification Process June 2021. Collection method: clinical testing. Allele origin: germline. Affected: yes.
Comment: Has not been previously published as pathogenic or benign to our knowledge; Not observed at significant frequency in large population cohorts (gnomAD); In silico analysis indicates that this missense variant does not alter protein structure/function

NM_020778.5(ALPK3):c.1202A>C (p.Lys401Thr)

Gene: ALPK3 (alpha kinase 3; plus strand). Cytogenetic location: 15q25.3.
Variant type: single nucleotide variant.
Coding change: c.1202A>C on transcript NM_020778.5 (MANE Select); coding-DNA position 1202, A replaced by C.
Protein change: p.Lys401Thr; replaces lysine 401 with threonine.
Molecular consequence: missense variant.
Genome position (GRCh38, 1-based): chr15:84,840,481, A>C. VCF-style: chr15-84840481-A-C. GRCh37 (hg19) VCF-style: chr15-85383712-A-C.
Other names: short protein forms K401T.
Identifiers: ClinVar variation 3381267 (VCV003381267.2).